The following is an entry in ClinVar:

ClinVar aggregate classification (germline): Uncertain significance (1 of 4 stars; one submission).

Submission:

Labcorp Genetics (formerly Invitae), Labcorp
Classification: Uncertain significance. Last evaluated: 2023-03-23. Review status: criteria provided, single submitter. Criteria: Invitae Variant Classification Sherloc (09022015). Collection method: clinical testing. Allele origin: germline.
Comment: This sequence change replaces aspartic acid, which is acidic and polar, with valine, which is neutral and non-polar, at codon 1051 of the ERCC6L2 protein (p.Asp1051Val). This variant is not present in population databases (gnomAD no frequency). This variant has not been reported in the literature in individuals affected with ERCC6L2-related conditions. Experimental studies and prediction algorithms are not available or were not evaluated, and the functional significance of this variant is currently unknown. In summary, the available evidence is currently insufficient to determine the role of this variant in disease. Therefore, it has been classified as a Variant of Uncertain Significance.

NM_020207.7(ERCC6L2):c.3119A>T (p.Asp1040Val)

Gene: ERCC6L2 (ERCC excision repair 6 like 2; plus strand). Cytogenetic location: 9q22.32.
Variant type: single nucleotide variant.
Coding change: c.3119A>T on transcript NM_020207.7 (MANE Select); coding-DNA position 3119, A replaced by T.
Protein change: p.Asp1040Val; replaces aspartic acid 1040 with valine.
Molecular consequence: missense variant. On other transcripts: non-coding transcript variant (1).
Genome position (GRCh38, 1-based): chr9:95,972,870, A>T. VCF-style: chr9-95972870-A-T. GRCh37 (hg19) VCF-style: chr9-98735152-A-T.
Other names: c.3119A>T, p.Asp1040Val (NM_001375291.1, NM_001375292.1, NM_001375293.1 and 1 more transcripts); short protein forms D1040V.
Identifiers: ClinVar variation 2997201 (VCV002997201.3), dbSNP rs2490559648, ClinGen allele CA2740024626.